The following is an entry in ClinVar:

ClinVar aggregate classification (germline): Pathogenic (1 of 4 stars; one submission).

Submission:

Labcorp Genetics (formerly Invitae), Labcorp
Classification: Pathogenic. Last evaluated: 2023-02-08. Review status: criteria provided, single submitter. Criteria: Invitae Variant Classification Sherloc (09022015). Collection method: clinical testing. Allele origin: germline.
Comment: For these reasons, this variant has been classified as Pathogenic. This variant has not been reported in the literature in individuals affected with GRIP1-related conditions. This variant is not present in population databases (gnomAD no frequency). This sequence change creates a premature translational stop signal (p.Pro910Argfs*21) in the GRIP1 gene. It is expected to result in an absent or disrupted protein product. Loss-of-function variants in GRIP1 are known to be pathogenic (PMID: 22510445, 24357607).

Literature cited by the submitters: PubMed 22510445; PubMed 24357607.

NM_001366722.1(GRIP1):c.2885del (p.Pro962fs)

Gene: GRIP1 (glutamate receptor interacting protein 1; minus strand). Cytogenetic location: 12q14.3.
Variant type: Deletion.
Coding change: c.2885del on transcript NM_001366722.1 (MANE Select); coding-DNA position 2885, one base deleted (C; older notation c.2885delC).
Protein change: p.Pro962fs; shifts the reading frame from proline 962.
Molecular consequence: frameshift variant.
Genome position (GRCh38, 1-based): chr12:66,371,821, G deleted on the plus strand (C on the coding strand, the reverse complement: GRIP1 is on the minus strand); the first of 2 consecutive G bases (chr12:66,371,821-66,371,822); deleting either gives the same sequence. VCF-style (leftmost placement, unchanged base first): chr12-66371820-CG-C. GRCh37 (hg19) VCF-style: chr12-66765600-CG-C.
Other names: c.2684del, p.Pro895fs (NM_001178074.2, NM_001379351.1); c.2804del, p.Pro935fs (NM_001366723.1); c.2807del, p.Pro936fs (NM_001366724.1); c.2963del, p.Pro988fs (NM_001379345.1); c.2840del, p.Pro947fs (NM_001379346.1); c.2762del, p.Pro921fs (NM_001379347.1); c.2759del, p.Pro920fs (NM_001379348.1); c.2732del, p.Pro911fs (NM_001379349.1); and 1 more; short protein forms P895fs, P936fs, P988fs, P911fs, P921fs, P910fs, P920fs, P935fs.
Identifiers: ClinVar variation 2835353 (VCV002835353.3), dbSNP rs2499785368, ClinGen allele CA2739272185.
Genomic context (GRCh38, chr12:66,371,820, plus strand): 5'-TACTGACTTCCTACCCACATCTGAAGGCAGGGTGTTGCTCCGAGTTGTTTGGCTGTAGTG[CG>C]GCCGCGAGCTGCTGCGCTCCTGGAAGCTGGCCTGTCGCCCCAGCTGACTGCGAGGTGTTG-3'